The following is an entry in ClinVar:

ClinVar aggregate classification (germline): Uncertain significance (1 of 4 stars; one submission).

Conditions:
Hereditary cancer-predisposing syndrome. Also called: Neoplastic Syndromes, Hereditary; Tumor predisposition; Hereditary neoplastic syndrome; Hereditary Cancer Syndrome. Identifiers: Orphanet 140162, MedGen C0027672, MeSH D009386, MONDO:0015356.

Submission:

Ambry Genetics
Classification: Uncertain significance for Hereditary cancer-predisposing syndrome. Last evaluated: 2023-09-18. Review status: criteria provided, single submitter. Criteria: Ambry Variant Classification Scheme 2023. Collection method: clinical testing. Allele origin: germline.
Comment: The c.1703_1705delCCA variant (also known as p.T568del) is located in coding exon 9 of the MEN1 gene. This variant results from an in-frame CCA deletion at nucleotide positions 1703 to 1705. This results in the in-frame deletion of a threonine at codon 568. This amino acid position is not well conserved in available vertebrate species. In addition, this alteration is predicted to be deleterious by in silico analysis (Choi Y et al. PLoS ONE. 2012; 7(10):e46688). Since supporting evidence is limited at this time, the clinical significance of this alteration remains unclear.

NM_001370259.2(MEN1):c.1700CCA[1] (p.Thr568del)

Gene: MEN1 (menin 1; minus strand). Cytogenetic location: 11q13.1.
Variant type: Microsatellite.
Coding change: c.1700CCA[1] on transcript NM_001370259.2 (MANE Select); one copy of the 3-base unit CCA starting at c.1700; the reference has two copies in a row; one copy, 3 bases deleted.
Protein change: p.Thr568del; deletes threonine 568.
Molecular consequence: inframe deletion. On other transcripts: inframe indel (2), non-coding transcript variant (4).
Genome position (GRCh38, 1-based): chr11:64,804,462-64,804,464, TGG deleted on the plus strand (CCA on the coding strand, the reverse complement: MEN1 is on the minus strand); deleting any 3 consecutive bases within chr11:64,804,462-64,804,467 gives the same sequence; the position shown is the placement nearest the transcript's 3' end. VCF-style (leftmost placement, unchanged base first): chr11-64804461-TTGG-T. GRCh37 (hg19) VCF-style: chr11-64571933-TTGG-T.
Other names: c.1715CCA[1], p.Thr573del (NM_000244.4, NM_001407145.1, NM_130800.3 and 4 more transcripts); c.1826CCA[1], p.Thr610del (NM_001370251.2, NM_001407142.1, NM_001407143.1 and 1 more transcripts); c.1700CCA[1], p.Thr568del (NM_001370260.2, NM_001370261.2, NM_001407146.1 and 2 more transcripts); c.1595CCA[1], p.Thr533del (NM_001370262.2, NM_001370263.2, NM_001407148.1 and 1 more transcripts); c.1841CCA[1], p.Thr615del (NM_001407150.1); c.1721CCA[1], p.Thr575del (NM_001407151.1); c.1535CCA[1], p.Thr513del (NM_001407152.1); c.1700_1702CCA[1], p.Thr568del (NM_130799.2); and 1 more; short protein forms T513del, T533del, T568del, T573del, T575del, T610del, T615del.
Identifiers: ClinVar variation 3229078 (VCV003229078.1), dbSNP rs2497104544, ClinGen allele CA2825002028.
Genomic context (GRCh38, chr11:64,804,461, plus strand): 5'-TTCTTCATCTGCACTTGCGACTGTGCCGTGAGTTGCAGCTTGATGGCGCTCGAGTTGATC[TTGG>T]TGGCCACCAGCAGCTCCTTCATGCCCTTCATCTTCTCACTCTGGAAAGTGAGCACTGGAC-3'